The following is an entry in ClinVar:

NM_012471.3(TRPC5):c.288G>T (p.Val96=)

Gene: TRPC5 (transient receptor potential cation channel subfamily C member 5; minus strand). Cytogenetic location: Xq23.
Variant type: single nucleotide variant.
Coding change: c.288G>T on transcript NM_012471.3 (MANE Select); coding-DNA position 288, G replaced by T.
Protein change: p.Val96=; no amino-acid change (valine 96 retained).
Molecular consequence: synonymous variant.
Genome position (GRCh38, 1-based): chrX:111,952,133, C>A on the plus strand (G>T on the coding strand, the complement: TRPC5 is on the minus strand). VCF-style: chrX-111952133-C-A. GRCh37 (hg19) VCF-style: chrX-111195361-C-A.
Identifiers: ClinVar variation 4988755 (VCV004988755.1).

ClinVar aggregate classification (germline): Likely benign (1 of 4 stars; one submission).

Conditions:
TRPC5-related disorder. Also called: TRPC5-related condition.

Submission:

PreventionGenetics, part of Exact Sciences
Classification: Likely benign for TRPC5-related condition. Last evaluated: 2026-02-17. Review status: criteria provided, single submitter. Criteria: ACMG Guidelines, 2015. Collection method: clinical testing. Allele origin: germline.
Comment: This variant is classified as likely benign based on ACMG/AMP sequence variant interpretation guidelines (Richards et al. 2015 PMID: 25741868, with internal and published modifications).